The following is an entry in ClinVar:

ClinVar aggregate classification (germline): Uncertain significance. Review status: criteria provided, multiple submitters, no conflicts (2 of 4 stars). 2 submissions from 2 submitters: Uncertain significance (2). Last evaluated 2022-07-28.

Conditions:
Autosomal recessive limb-girdle muscular dystrophy type 2U. Also called: MUSCULAR DYSTROPHY, LIMB-GIRDLE, TYPE 2U; Muscular dystrophy-dystroglycanopathy (limb-girdle), type c, 7. Identifiers: Orphanet 352479, MedGen C5190987, MONDO:0014474, OMIM 616052.
Muscular dystrophy-dystroglycanopathy (congenital with brain and eye anomalies), type A, 7. Also called: WALKER-WARBURG SYNDROME OR MUSCLE-EYE-BRAIN DISEASE, ISPD-RELATED; Congenital muscular dystrophy-dystroglycanopathy with brain and eye anomalies, type A7. Identifiers: Orphanet 899, MedGen C3553330, MONDO:0013835, OMIM 614643.

Submissions (2):

Labcorp Genetics (formerly Invitae), Labcorp
Classification: Uncertain significance for Muscular dystrophy-dystroglycanopathy (congenital with brain and eye anomalies), type A, 7; Autosomal recessive limb-girdle muscular dystrophy type 2U. Last evaluated: 2022-07-28. Review status: criteria provided, single submitter. Criteria: Invitae Variant Classification Sherloc (09022015). Collection method: clinical testing. Allele origin: germline.
Comment: This variant has not been reported in the literature in individuals affected with ISPD-related conditions. This variant is not present in population databases (gnomAD no frequency). This sequence change falls in intron 1 of the ISPD gene. It does not directly change the encoded amino acid sequence of the ISPD protein. It affects a nucleotide within the consensus splice site. In summary, the available evidence is currently insufficient to determine the role of this variant in disease. Therefore, it has been classified as a Variant of Uncertain Significance. Variants that disrupt the consensus splice site are a relatively common cause of aberrant splicing (PMID: 17576681, 9536098). Algorithms developed to predict the effect of sequence changes on RNA splicing suggest that this variant may disrupt the consensus splice site. ClinVar contains an entry for this variant (Variation ID: 502190).

Eurofins Ntd Llc (ga)
Classification: Uncertain significance. Last evaluated: 2017-05-24. Review status: criteria provided, single submitter. Criteria: EGL Classification Definitions 2015. Collection method: clinical testing. Allele origin: germline. Observed: 1 variant allele, 1 heterozygote.

Literature cited by the submitters: PubMed 17576681 (cited by Labcorp Genetics (formerly Invitae), Labcorp); PubMed 9536098 (cited by Labcorp Genetics (formerly Invitae), Labcorp).

NM_001101426.4(CRPPA):c.258-3T>G

Gene: CRPPA (CDP-L-ribitol pyrophosphorylase A; minus strand). Cytogenetic location: 7p21.2.
Variant type: single nucleotide variant.
Coding change: c.258-3T>G on transcript NM_001101426.4 (MANE Select); 3 bases into the intron before coding-DNA position 258, T replaced by G.
Molecular consequence: intron variant.
Genome position (GRCh38, 1-based): chr7:16,406,340, A>C on the plus strand (T>G on the coding strand, the complement: CRPPA is on the minus strand). VCF-style: chr7-16406340-A-C. GRCh37 (hg19) VCF-style: chr7-16445965-A-C.
Other names: c.258-3T>G (NM_001101417.4, NM_001368197.1).
Identifiers: ClinVar variation 502190 (VCV000502190.9), dbSNP rs899936625, ClinGen allele CA658796906.